The following is an entry in ClinVar:

ClinVar aggregate classification (germline): Uncertain significance (1 of 4 stars; one submission).

gnomAD v4.1: 83 of 1,613,672 alleles (0.0051%); highest among the groups gnomAD compares: African/African-American, 0.0067%; no homozygotes.

Submission:

Labcorp Genetics (formerly Invitae), Labcorp
Classification: Uncertain significance. Last evaluated: 2025-10-18. Review status: criteria provided, single submitter. Criteria: Invitae Variant Classification Sherloc (09022015). Collection method: clinical testing. Allele origin: germline.
Comment: This sequence change replaces alanine, which is neutral and non-polar, with threonine, which is neutral and polar, at codon 1430 of the CPAMD8 protein (p.Ala1430Thr). This variant is present in population databases (rs375651586, gnomAD 0.01%). This variant has not been reported in the literature in individuals affected with CPAMD8-related conditions. An algorithm developed to predict the effect of missense changes on protein structure and function outputs the following: PolyPhen-2: "Probably Damaging". The threonine amino acid residue is found in multiple mammalian species, which suggests that this missense change does not adversely affect protein function. In summary, the available evidence is currently insufficient to determine the role of this variant in disease. Therefore, it has been classified as a Variant of Uncertain Significance.

NM_015692.5(CPAMD8):c.4147G>A (p.Ala1383Thr)

Gene: CPAMD8 (C3 and PZP like alpha-2-macroglobulin domain containing 8; minus strand). Cytogenetic location: 19p13.11.
Variant type: single nucleotide variant.
Coding change: c.4147G>A on transcript NM_015692.5 (MANE Select); coding-DNA position 4147, G replaced by A.
Protein change: p.Ala1383Thr; replaces alanine 1383 with threonine.
Molecular consequence: missense variant.
Genome position (GRCh38, 1-based): chr19:16,904,330, C>T on the plus strand (G>A on the coding strand, the complement: CPAMD8 is on the minus strand). VCF-style: chr19-16904330-C-T. GRCh37 (hg19) VCF-style: chr19-17015140-C-T.
Other names: short protein forms A1383T.
Identifiers: ClinVar variation 4708258 (VCV004708258.1).